The following is an entry in ClinVar:

ClinVar aggregate classification (germline): Uncertain significance (1 of 4 stars; one submission).

gnomAD v4.1: 5 of 1,613,148 alleles (0.00031%); highest among the groups gnomAD compares: Non-Finnish European, 0.00042%; no homozygotes.

Submission:

Labcorp Genetics (formerly Invitae), Labcorp
Classification: Uncertain significance. Last evaluated: 2022-03-11. Review status: criteria provided, single submitter. Criteria: Invitae Variant Classification Sherloc (09022015). Collection method: clinical testing. Allele origin: germline.
Comment: In summary, the available evidence is currently insufficient to determine the role of this variant in disease. Therefore, it has been classified as a Variant of Uncertain Significance. Algorithms developed to predict the effect of missense changes on protein structure and function (SIFT, PolyPhen-2, Align-GVGD) all suggest that this variant is likely to be disruptive. This variant has not been reported in the literature in individuals affected with RUSC2-related conditions. This variant is present in population databases (rs751418294, gnomAD 0.002%). This sequence change replaces arginine, which is basic and polar, with proline, which is neutral and non-polar, at codon 551 of the RUSC2 protein (p.Arg551Pro).

NM_014806.5(RUSC2):c.1652G>C (p.Arg551Pro)

Gene: RUSC2 (RUN and SH3 domain containing 2; plus strand). Cytogenetic location: 9p13.3.
Variant type: single nucleotide variant.
Coding change: c.1652G>C on transcript NM_014806.5 (MANE Select); coding-DNA position 1652, G replaced by C.
Protein change: p.Arg551Pro; replaces arginine 551 with proline.
Molecular consequence: missense variant. On other transcripts: non-coding transcript variant (1), intron variant (1).
Genome position (GRCh38, 1-based): chr9:35,548,173, G>C. VCF-style: chr9-35548173-G-C. GRCh37 (hg19) VCF-style: chr9-35548170-G-C.
Other names: c.1652G>C, p.Arg551Pro (NM_001135999.2); c.-620-6887G>C (NM_001330740.2); short protein forms R551P.
Identifiers: ClinVar variation 1964297 (VCV001964297.3), dbSNP rs751418294, ClinGen allele CA5043700.